The following is an entry in ClinVar:

NM_001323289.2(CDKL5):c.577G>A (p.Asp193Asn)

Gene: CDKL5 (cyclin dependent kinase like 5; plus strand). Cytogenetic location: Xp22.13.
Variant type: single nucleotide variant.
Coding change: c.577G>A on transcript NM_001323289.2 (MANE Select); coding-DNA position 577, G replaced by A.
Protein change: p.Asp193Asn; replaces aspartic acid 193 with asparagine.
Molecular consequence: missense variant.
Genome position (GRCh38, 1-based): chrX:18,587,976, G>A. VCF-style: chrX-18587976-G-A. GRCh37 (hg19) VCF-style: chrX-18606096-G-A.
Other names: p.D193N:GAC>AAC; c.577G>A, p.Asp193Asn (NM_001037343.2, NM_003159.3); short protein forms D193N.
Identifiers: ClinVar variation 156605 (VCV000156605.2), dbSNP rs587783086, ClinGen allele CA294606.

ClinVar aggregate classification (germline): Pathogenic (1 of 4 stars; one submission).

Submission:

GeneDx
Classification: Pathogenic. Last evaluated: 2012-11-27. Review status: criteria provided, single submitter. Criteria: GeneDx Variant Classification (06012015). Collection method: clinical testing. Allele origin: germline. Affected: yes.
Comment: The Asp193Asn missense change has not been published as a mutation, nor has it been reported as a benign polymorphism to our knowledge. The NHLBI ESP Exome Variant Project has not identified Asp193Asn in approximately 6,500 individuals of European or African American ethnicity, indicating that it is not a common benign variant in these populations. The amino acid substitution is non-conservative, as a positively charged Aspartic acid residue is replaced by an uncharged Asparagine residue. Asp193Asn alters a highly conserved position in the catalytic domain of the CDKL5 protein, and mutations have been reported at many neighboring codons, confirming the functional importance of this region (Bertani et al., 2006; Kilstrup-Nielsen et al., 2012). In addition, multiple in silico algorithms predict it may be damaging to the structure/function of the protein. This variant has been observed de novo without verified parentage. The variant is found in INFANT-EPI panel(s).